The following is an entry in ClinVar:

NM_014908.4(DOLK):c.502_522del (p.Leu168_Phe174del)

Gene: DOLK (dolichol kinase; minus strand). Cytogenetic location: 9q34.11.
Variant type: Deletion.
Coding change: c.502_522del on transcript NM_014908.4 (MANE Select); coding-DNA positions 502 to 522, 21 bases deleted (CTGGAAGTCCTTCTGATCTTC).
Protein change: p.Leu168_Phe174del.
Molecular consequence: inframe deletion.
Genome position (GRCh38, 1-based): chr9:128,946,782-128,946,802, GAAGATCAGAAGGACTTCCAG deleted on the plus strand (CTGGAAGTCCTTCTGATCTTC on the coding strand, the reverse complement: DOLK is on the minus strand); deleting any 21 consecutive bases within chr9:128,946,782-128,946,804 gives the same sequence; the c. name uses the placement nearest the transcript's 3' end. VCF-style (leftmost placement, unchanged base first): chr9-128946781-CGAAGATCAGAAGGACTTCCAG-C. GRCh37 (hg19) VCF-style: chr9-131709060-CGAAGATCAGAAGGACTTCCAG-C.
Identifiers: ClinVar variation 1941318 (VCV001941318.5), dbSNP rs2492004788, ClinGen allele CA2580079917.
Genomic context (GRCh38, chr9:128,946,781, plus strand): 5'-GTGCCTCACCAGGGGTGAAGCAGCGGGGCAGCAGGTACAGCAGGATCATGTTGAGATAAA[CGAAGATCAGAAGGACTTCCAG>C]GACTTCGATCACCTCCCCCACGCTCAACGAGTGCTTCATGATATAAATGATAACACCTCC-3'

ClinVar aggregate classification (germline): Uncertain significance (1 of 4 stars; one submission).

Conditions:
DK1-congenital disorder of glycosylation. Also called: DK1-CDG; CDG Im; DK1 DEFICIENCY; DOLICHOL KINASE DEFICIENCY; CONGENITAL DISORDER OF GLYCOSYLATION, TYPE Im; DOLK-congenital disorder of glycosylation. Identifiers: Orphanet 91131, MedGen C1835849, MONDO:0012556, OMIM 610768.

Submission:

Labcorp Genetics (formerly Invitae), Labcorp
Classification: Uncertain significance for DK1-congenital disorder of glycosylation. Last evaluated: 2022-05-19. Review status: criteria provided, single submitter. Criteria: Invitae Variant Classification Sherloc (09022015). Collection method: clinical testing. Allele origin: germline.
Comment: This variant, c.502_522del, results in the deletion of 7 amino acid(s) of the DOLK protein (p.Leu168_Phe174del), but otherwise preserves the integrity of the reading frame. This variant is not present in population databases (gnomAD no frequency). This variant has not been reported in the literature in individuals affected with DOLK-related conditions. Experimental studies and prediction algorithms are not available or were not evaluated, and the functional significance of this variant is currently unknown. In summary, the available evidence is currently insufficient to determine the role of this variant in disease. Therefore, it has been classified as a Variant of Uncertain Significance.